The following is an entry in ClinVar:

NM_000448.3(RAG1):c.1186C>T (p.Arg396Cys)

Gene: RAG1 (recombination activating 1; plus strand). Cytogenetic location: 11p12.
Variant type: single nucleotide variant.
Coding change: c.1186C>T on transcript NM_000448.3 (MANE Select); coding-DNA position 1186, C replaced by T.
Protein change: p.Arg396Cys; replaces arginine 396 with cysteine.
Molecular consequence: missense variant.
Genome position (GRCh38, 1-based): chr11:36,574,490, C>T. VCF-style: chr11-36574490-C-T. GRCh37 (hg19) VCF-style: chr11-36596040-C-T.
Other names: c.1186C>T, p.Arg396Cys (NM_001377277.1, NM_001377278.1, NM_001377279.1 and 1 more transcripts); short protein forms R396C.
Identifiers: ClinVar variation 13144 (VCV000013144.10), dbSNP rs104894289, ClinGen allele CA122889.

ClinVar aggregate classification (germline): Pathogenic. Review status: criteria provided, multiple submitters, no conflicts (2 of 4 stars). 7 submissions from 7 submitters: Pathogenic (5). 2 of the submissions do not count toward it. Last evaluated 2025-10-15.

Conditions:
RAG1-related disorder. Also called: RAG1-related disorders; RAG1-related condition.
Severe combined immunodeficiency, autosomal recessive, T cell-negative, B cell-negative, NK cell-positive. Also called: SCID, AR, T-cell negative, B-cell negative, NK cell-positive; Severe combined immunodeficiency due to complete RAG1/2 deficiency; SCID, T CELL-NEGATIVE, B CELL-NEGATIVE, NK CELL-POSITIVE. Identifiers: Orphanet 331206, MedGen C1832322, MONDO:0011086, OMIM 601457.
Combined immunodeficiency with skin granulomas. Identifiers: Orphanet 157949, MedGen C2673536, MONDO:0009306, OMIM 233650.
Combined immunodeficiency due to partial RAG1 deficiency. Identifiers: Orphanet 231154, MedGen C1835931, MONDO:0012359, OMIM 609889.
Histiocytic medullary reticulosis. Also called: Omenn syndrome; SEVERE COMBINED IMMUNODEFICIENCY WITH HYPEREOSINOPHILIA. Identifiers: Orphanet 39041, MedGen C2700553, MONDO:0011338, OMIM 603554.

Allele frequency attached by ClinVar (database versions not stated): gnomAD exomes 0.00001 and 0.00004; gnomAD 0.00002; TOPMed 0.00002.
gnomAD v4.1: 58 of 1,614,126 alleles (0.0036%); highest among the groups gnomAD compares: Non-Finnish European, 0.0048%; no homozygotes.

Submissions (7):

Labcorp Genetics (formerly Invitae), Labcorp
Classification: Pathogenic for Combined immunodeficiency with skin granulomas; Severe combined immunodeficiency, autosomal recessive, T cell-negative, B cell-negative, NK cell-positive. Last evaluated: 2025-10-15. Review status: criteria provided, single submitter. Criteria: Invitae Variant Classification Sherloc (09022015). Collection method: clinical testing. Allele origin: germline.
Comment: This sequence change replaces arginine, which is basic and polar, with cysteine, which is neutral and slightly polar, at codon 396 of the RAG1 protein (p.Arg396Cys). This variant is present in population databases (rs104894289, gnomAD 0.002%). This missense change has been observed in individual(s) with combined immunodeficiency and/or Omenn syndrome (PMID: 9630231, 32000930, 32655540, 33193364). ClinVar contains an entry for this variant (Variation ID: 13144). Invitae Evidence Modeling of protein sequence and biophysical properties (such as structural, functional, and spatial information, amino acid conservation, physicochemical variation, residue mobility, and thermodynamic stability) has been performed for this missense variant. However, the output from this modeling did not meet the statistical confidence thresholds required to predict the impact of this variant on RAG1 protein function. This variant disrupts the p.Arg396 amino acid residue in RAG1. Other variant(s) that disrupt this residue have been determined to be pathogenic (PMID: 9630231, 17075247, 19830075). This suggests that this residue is clinically significant, and that variants that disrupt this residue are likely to be disease-causing. For these reasons, this variant has been classified as Pathogenic.

Baylor Genetics
Classification: Pathogenic for Combined immunodeficiency due to partial RAG1 deficiency. Last evaluated: 2024-02-05. Review status: criteria provided, single submitter. Criteria: ACMG Guidelines, 2015. Collection method: clinical testing. Allele origin: unknown.

GeneDx
Classification: Pathogenic. Last evaluated: 2023-10-26. Review status: criteria provided, single submitter. Criteria: GeneDx Variant Classification Process June 2021. Collection method: clinical testing. Allele origin: germline. Affected: yes.
Comment: Published functional studies demonstrate a damaging effect with decreased V(D)J recombination activity (PMID: 24290284); This variant is associated with the following publications: (PMID: 11971977, 20956421, 11213808, 28783691, 10606976, 17075247, 25976673, 20109747, 11133745, 32000930, 32445296, 33193364, 34134972, 24290284, 26996199, 27825771, 9630231, 32655540, 30290665)

Blueprint Genetics
Classification: Pathogenic for RAG1-related disorders. Last evaluated: 2023-10-11. Review status: criteria provided, single submitter. Criteria: ACMG Guidelines, 2015. Collection method: clinical testing. Allele origin: germline. Affected: yes. Observed: 3 variant alleles.

Women's Health and Genetics/Laboratory Corporation of America, LabCorp
Classification: Pathogenic for Histiocytic medullary reticulosis. Last evaluated: 2017-03-14. Review status: criteria provided, single submitter. Criteria: LabCorp Variant Classification Summary - May 2015. Collection method: clinical testing. Allele origin: germline.
Comment: Variant summary: The RAG1 c.1186C>T (p.Arg396Cys) variant located in the homeodomain, DNA binding domain involves the alteration of a conserved nucleotide and is predicted to be damaging by 4/4 in-silico functional prediction tools (SNPs&GO not captured due to low reliability index). This variant is absent in 120606 control chromosomes including broad and large populations of ExAC. This variant has been reported in patients with atypical SCID, Omenn syndrome, or RAG1-related immunodeficiency in compound heterozygous state with other missense variants as well as in a homozygous state including evidence of cosegregation with disease. One functional study shows that this variant leads to severe decrease in VDJ recombination (Lee_2014). Two other missense variants at this codon, R396L and R396H, are also found in patients with RAG1-related phenotypes and lead to severe decrease in VDJ recombination (Lee_2014), suggesting that codon Arg396 is a mutational hot-spot. Taken together, this variant is classified as Pathogenic.

OMIM
Classification: Pathogenic for OMENN SYNDROME. Last evaluated: 1998-05-29. Review status: no assertion criteria provided. Collection method: literature only. Allele origin: germline. Not counted in ClinVar's aggregate classification.

UniProtKB/Swiss-Prot
No classification provided. Review status: no classification provided. Collection method: not provided. Allele origin: not provided. Not counted in ClinVar's aggregate classification.

Literature cited by the submitters: PubMed 9630231 (cited by 3 submitters); PubMed 32000930 (cited by Labcorp Genetics (formerly Invitae), Labcorp); PubMed 32655540 (cited by Labcorp Genetics (formerly Invitae), Labcorp); PubMed 33193364 (cited by Labcorp Genetics (formerly Invitae), Labcorp); PubMed 17075247 (cited by Labcorp Genetics (formerly Invitae), Labcorp and Women's Health and Genetics/Laboratory Corporation of America, LabCorp); PubMed 19830075 (cited by Labcorp Genetics (formerly Invitae), Labcorp); PubMed 11971977 (cited by Women's Health and Genetics/Laboratory Corporation of America, LabCorp); PubMed 21664875 (cited by Women's Health and Genetics/Laboratory Corporation of America, LabCorp); PubMed 11908269 (cited by Women's Health and Genetics/Laboratory Corporation of America, LabCorp); PubMed 20956421 (cited by Women's Health and Genetics/Laboratory Corporation of America, LabCorp); PubMed 17176792 (cited by Women's Health and Genetics/Laboratory Corporation of America, LabCorp).